The following is an entry in ClinVar:

ClinVar aggregate classification (germline): Likely benign. Review status: reviewed by expert panel (3 of 4 stars). 2 submissions from 2 submitters: Likely benign (1). 1 of the submissions does not count toward it. Last evaluated 2026-05-04.

Conditions:
Hereditary thrombocytopenia and hematological cancer predisposition syndrome associated with RUNX1. Also called: Familial Platelet Disorder with Propensity to Acute Myelogenous Leukemia; Familial thrombocytopenia with propensity to acute myelogenous leukemia; PLATELET DISORDER, ASPIRIN-LIKE; RUNX1 Familial Platelet Disorder with Associated Myeloid Malignancies. Identifiers: Orphanet 71290, MedGen C1832388, MeSH C563324, MONDO:0100083, OMIM 601399.
Hereditary thrombocytopenia and hematologic cancer predisposition syndrome. Identifiers: Orphanet 71290, MedGen CN281654, MONDO:0011071.

Allele frequency attached by ClinVar (database versions not stated): gnomAD exomes below 0.00001.
gnomAD v4.1: 2 of 1,613,510 alleles (0.00012%); highest among the groups gnomAD compares: South Asian, 0.0011%; no homozygotes.

Submissions (2):

ClinGen Myeloid Malignancy Variant Curation Expert Panel
Classification: Likely benign for Hereditary thrombocytopenia and hematologic cancer predisposition syndrome. Last evaluated: 2026-05-04. Review status: reviewed by expert panel. Criteria: ClinGen MyeloMalig ACMG Specifications V3.1. Collection method: curation. Allele origin: germline. Inheritance: Autosomal dominant inheritance.
Comment: NM_001754.5(RUNX1):c.513A>G (p.Lys171=) is a synonymous variant which has a SpliceAI score ≤ 0.20 (0.00) (BP4, BP7). This variant is completely absent from all population databases with at least 20x coverage for RUNX1 (PM2_supporting). In summary, this variant meets criteria to be classified as likely benign. ACMG/AMP criteria applied, as specified by the Myeloid Malignancy Variant Curation Expert Panel for RUNX1: BP4, BP7, PM2_supporting.

Labcorp Genetics (formerly Invitae), Labcorp
Classification: Likely benign for Hereditary thrombocytopenia and hematological cancer predisposition syndrome associated with RUNX1. Last evaluated: 2022-07-29. Review status: criteria provided, single submitter. Criteria: Invitae Variant Classification Sherloc (09022015). Collection method: clinical testing. Allele origin: germline. Not counted in ClinVar's aggregate classification.

NM_001754.5(RUNX1):c.513A>G (p.Lys171=)

Genes: RUNX1 (RUNX family transcription factor 1; minus strand), RUNX1-AS1 (RUNX1 antisense RNA 1; plus strand). Cytogenetic location: 21q22.12.
Variant type: single nucleotide variant.
Coding change: c.513A>G on transcript NM_001754.5 (MANE Select); coding-DNA position 513, A replaced by G.
Protein change: p.Lys171=; no amino-acid change (lysine 171 retained).
Molecular consequence: synonymous variant.
Genome position (GRCh38, 1-based): chr21:34,859,574, T>C on the plus strand (A>G on the coding strand, the complement: RUNX1 is on the minus strand). VCF-style: chr21-34859574-T-C. GRCh37 (hg19) VCF-style: chr21-36231871-T-C.
Other names: NM_001754.5(RUNX1):c.513A>G; p.Lys171=; c.432A>G, p.Lys144= (NM_001001890.3, NM_001122607.2).
Identifiers: ClinVar variation 1141521 (VCV001141521.12), dbSNP rs2146236928, ClinGen allele CA512319134.